The following is an entry in ClinVar:

ClinVar aggregate classification (germline): Pathogenic. Review status: criteria provided, multiple submitters, no conflicts (2 of 4 stars). 10 submissions from 10 submitters: Pathogenic (8). 2 of the submissions do not count toward it. Last evaluated 2025-10-09.

Conditions:
BLM-related disorder. Also called: BLM-related condition.
Hereditary cancer-predisposing syndrome. Also called: Tumor predisposition; Neoplastic Syndromes, Hereditary; Hereditary neoplastic syndrome; Hereditary Cancer Syndrome. Identifiers: Orphanet 140162, MedGen C0027672, MeSH D009386, MONDO:0015356.
Bloom syndrome (BLM). Also called: Bloom-Torre-Machacek syndrome. Identifiers: Orphanet 125, MedGen C0005859, MONDO:0008876, OMIM 210900.

Submissions (10):

Labcorp Genetics (formerly Invitae), Labcorp
Classification: Pathogenic for Bloom syndrome. Last evaluated: 2025-10-09. Review status: criteria provided, single submitter. Criteria: Invitae Variant Classification Sherloc (09022015). Collection method: clinical testing. Allele origin: germline.
Comment: This sequence change creates a premature translational stop signal (p.Asn515Metfs*16) in the BLM gene. It is expected to result in an absent or disrupted protein product. Loss-of-function variants in BLM are known to be pathogenic (PMID: 17407155). The frequency data for this variant in the population databases is considered unreliable, as metrics indicate poor data quality at this position in the gnomAD database. This premature translational stop signal has been observed in individual(s) with congenital anomalies (PMID: 27959697). ClinVar contains an entry for this variant (Variation ID: 374315). For these reasons, this variant has been classified as Pathogenic.

Myriad Genetics, Inc.
Classification: Pathogenic for Bloom syndrome. Last evaluated: 2025-05-19. Review status: criteria provided, single submitter. Criteria: Myriad Autosomal Dominant, Autosomal Recessive and X-Linked Classification Criteria (2023). Collection method: clinical testing. Allele origin: unknown.
Comment: NM_000057.3(BLM):c.1544delA(N515Mfs*16) is a frameshift variant classified as pathogenic in the context of Bloom syndrome. N515Mfs*16 has been observed in a case with relevant disease (PMID: 34177791). Relevant functional assessments of this variant are not available in the literature. N515Mfs*16 has been observed in referenced population frequency databases. In summary, NM_000057.3(BLM):c.1544delA(N515Mfs*16) is a frameshift variant in a gene where loss of function is a known mechanism of disease, is predicted to disrupt protein function, and has been observed more frequently in cases with the relevant disease than in healthy populations. Please note: this variant was assessed in the context of healthy population screening.

Center for Genomic Medicine, Rigshospitalet, Copenhagen University Hospital
Classification: Pathogenic. Last evaluated: 2025-03-04. Review status: criteria provided, single submitter. Criteria: ACMG Guidelines, 2015. Collection method: clinical testing. Allele origin: germline.

Baylor Genetics
Classification: Pathogenic for Bloom syndrome. Last evaluated: 2024-03-30. Review status: criteria provided, single submitter. Criteria: ACMG Guidelines, 2015. Collection method: clinical testing. Allele origin: unknown.

GeneDx
Classification: Pathogenic. Last evaluated: 2024-01-25. Review status: criteria provided, single submitter. Criteria: GeneDx Variant Classification Process June 2021. Collection method: clinical testing. Allele origin: germline. Affected: yes.
Comment: Frameshift variant predicted to result in protein truncation or nonsense mediated decay in a gene for which loss of function is a known mechanism of disease; This variant is associated with the following publications: (PMID: 26247052, 37988834, 34177791, 27959697)

Ambry Genetics
Classification: Pathogenic for Hereditary cancer-predisposing syndrome. Last evaluated: 2021-10-19. Review status: criteria provided, single submitter. Criteria: Ambry Variant Classification Scheme 2023. Collection method: clinical testing. Allele origin: germline.
Comment: The c.1544delA pathogenic mutation, located in coding exon 6 of the BLM gene, results from a deletion of one nucleotide at nucleotide position 1544, causing a translational frameshift with a predicted alternate stop codon (p.N515Mfs*16). This alteration has been detected in trans with a pathogenic BLM variant in an individual with Bloom syndrome (Deng M et al. Front Endocrinol (Lausanne), 2021 Jun;12:524242). In addition to the clinical data presented in the literature, this alteration is expected to result in loss of function by premature protein truncation or nonsense-mediated mRNA decay. As such, this alteration is interpreted as a disease-causing mutation.

Women's Health and Genetics/Laboratory Corporation of America, LabCorp
Classification: Pathogenic for Bloom syndrome. Last evaluated: 2017-10-30. Review status: criteria provided, single submitter. Criteria: LabCorp Variant Classification Summary - May 2015. Collection method: clinical testing. Allele origin: germline.
Comment: Variant summary: The BLM c.1544delA (p.Asn515MetfsX16) variant results in a premature termination codon, predicted to cause a truncated or absent BLM protein due to nonsense mediated decay, which are commonly known mechanisms for disease. Truncations downstream of this position have been classified as pathogenic by our laboratory (e.g. c.2824-1077_3019+310del1583, p.V942fs; c.2207_2212del6insTAGATTC, p.Tyr736fsX5; c.772_773delCT, p.Leu258fsX7). One in silico tool predicts a damaging outcome for this variant.This variant is absent in 245606 control chromosomes (gnomAD). A different variant (BLM c.1544_1545dupA) leading to the same protein change, p.Asn515MetfsX16, was reported in multiple Bloom Syndrome patients (German_2007). In addition, multiple clinical diagnostic laboratories/reputable databases classified this variant as pathogenic. Taken together, this variant is classified as pathogenic.

Juno Genomics, Hangzhou Juno Genomics, Inc
Classification: Pathogenic for Bloom syndrome. Review status: criteria provided, single submitter. Criteria: ACMG Guidelines, 2015. Collection method: clinical testing. Allele origin: germline.
Comment: Absent from controls (or at extremely low frequency if recessive) in Genome Aggregation Database.;Null variant in a gene where loss of function (LOF) is a known mechanism of disease.;For recessive disorders, detected in trans with a pathogenic variant.;Patient's phenotype or family history is highly specific for a disease with a single genetic etiology.

PreventionGenetics, part of Exact Sciences
Classification: Pathogenic for BLM-related condition. Last evaluated: 2023-12-09. Review status: no assertion criteria provided. Collection method: clinical testing. Allele origin: germline. Not counted in ClinVar's aggregate classification.
Comment: The BLM c.1544delA variant is predicted to result in a frameshift and premature protein termination (p.Asn515Metfs*16). This variant was reported in compound heterozygous state in an individual with Bloom syndrome (Deng M et al 2021. PubMed ID: 34177791). Of note, another truncating variant affecting the same amino acid (reported as c.1544_1545dupA, p.Asn515fs) has also been reported to be pathogenic for Bloom syndrome (German J et al 2007. PubMed ID: 17407155). This variant is reported in 0.017% of alleles in individuals of African descent in gnomAD and it is classified as pathogenic in ClinVar. Frameshift variants in BLM are expected to be pathogenic. This variant is interpreted as pathogenic.

Natera, Inc.
Classification: Pathogenic for Bloom syndrome. Last evaluated: 2020-09-16. Review status: no assertion criteria provided. Collection method: clinical testing. Allele origin: germline. Not counted in ClinVar's aggregate classification.

Literature cited by the submitters: PubMed 17407155 (cited by Labcorp Genetics (formerly Invitae), Labcorp and Women's Health and Genetics/Laboratory Corporation of America, LabCorp); PubMed 27959697 (cited by Labcorp Genetics (formerly Invitae), Labcorp and Women's Health and Genetics/Laboratory Corporation of America, LabCorp); PubMed 34177791 (cited by 3 submitters); PubMed 12242442 (cited by Center for Genomic Medicine, Rigshospitalet, Copenhagen University Hospital); PubMed 12242432 (cited by Center for Genomic Medicine, Rigshospitalet, Copenhagen University Hospital); PubMed 23225144 (cited by Center for Genomic Medicine, Rigshospitalet, Copenhagen University Hospital); PubMed 31614901 (cited by Center for Genomic Medicine, Rigshospitalet, Copenhagen University Hospital); PubMed 25850943 (cited by Women's Health and Genetics/Laboratory Corporation of America, LabCorp).

NM_000057.4(BLM):c.1544del (p.Asn515fs)

Gene: BLM (BLM RecQ like helicase; plus strand). Cytogenetic location: 15q26.1.
Variant type: Deletion.
Coding change: c.1544del on transcript NM_000057.4 (MANE Select); coding-DNA position 1544, one base deleted (A; older notation c.1544delA).
Protein change: p.Asn515fs; shifts the reading frame from asparagine 515.
Molecular consequence: frameshift variant.
Genome position (GRCh38, 1-based): chr15:90,760,917, A deleted; the last of 9 consecutive A bases (chr15:90,760,909-90,760,917); deleting any one gives the same sequence. VCF-style (leftmost placement, unchanged base first): chr15-90760908-GA-G. GRCh37 (hg19) VCF-style: chr15-91304138-GA-G.
Other names: c.1544del (LRG_20t1); c.1544delA (NM_000057.2, NM_000057.4, NM_000057.3); c.1544del, p.Asn515fs (NM_001287246.2, NM_001287247.2); c.419del, p.Asn140fs (NM_001287248.2); short protein forms N140fs, N515fs.
Identifiers: ClinVar variation 374315 (VCV000374315.27), dbSNP rs367543043, ClinGen allele CA7738553.